The following is an entry in ClinVar:

ClinVar aggregate classification (germline): Pathogenic (1 of 4 stars; one submission).

Conditions:
Achondrogenesis, type IA (ACG1A). Identifiers: Orphanet 932, Orphanet 93299, MedGen C0265273, MONDO:0008701, OMIM 200600.

Submission:

Labcorp Genetics (formerly Invitae), Labcorp
Classification: Pathogenic for Achondrogenesis, type IA. Last evaluated: 2018-04-14. Review status: criteria provided, single submitter. Criteria: Invitae Variant Classification Sherloc (09022015). Collection method: clinical testing. Allele origin: germline.
Comment: This sequence change creates a premature translational stop signal (p.Leu427*) in the TRIP11 gene. It is expected to result in an absent or disrupted protein product. This variant is not present in population databases (ExAC no frequency). This variant has not been reported in the literature in individuals with TRIP11-related disease. Loss-of-function variants in TRIP11 are known to be pathogenic (PMID: 20089971, 23956106). For these reasons, this variant has been classified as Pathogenic.

Literature cited by the submitters: PubMed 20089971; PubMed 23956106.

NM_004239.4(TRIP11):c.1280T>A (p.Leu427Ter)

Gene: TRIP11 (thyroid hormone receptor interactor 11; minus strand). Cytogenetic location: 14q32.12.
Variant type: single nucleotide variant.
Coding change: c.1280T>A on transcript NM_004239.4 (MANE Select); coding-DNA position 1280, T replaced by A.
Protein change: p.Leu427Ter; replaces leucine 427 with a stop codon.
Molecular consequence: nonsense.
Genome position (GRCh38, 1-based): chr14:92,011,020, A>T on the plus strand (T>A on the coding strand, the complement: TRIP11 is on the minus strand). VCF-style: chr14-92011020-A-T. GRCh37 (hg19) VCF-style: chr14-92477364-A-T.
Other names: c.1277T>A, p.Leu426Ter (NM_001321851.1); short protein forms L427*, L426*.
Identifiers: ClinVar variation 572495 (VCV000572495.6), dbSNP rs34761938, ClinGen allele CA390662935.